The following is an entry in ClinVar:

NM_015466.4(PTPN23):c.1081_1082del (p.Val361fs)

Gene: PTPN23 (protein tyrosine phosphatase non-receptor type 23; plus strand). Cytogenetic location: 3p21.31.
Variant type: Deletion.
Coding change: c.1081_1082del on transcript NM_015466.4 (MANE Select); coding-DNA positions 1081 to 1082, 2 bases deleted (GT; older notation c.1081_1082delGT).
Protein change: p.Val361fs; shifts the reading frame from valine 361.
Molecular consequence: frameshift variant.
Genome position (GRCh38, 1-based): chr3:47,407,774-47,407,775, GT deleted. VCF-style (leftmost placement, unchanged base first): chr3-47407773-GGT-G. GRCh37 (hg19) VCF-style: chr3-47449263-GGT-G.
Other names: c.703_704del, p.Val235fs (NM_001304482.2); c.1081_1082del (NM_015466.2); short protein forms V235fs, V361fs.
Identifiers: ClinVar variation 1388851 (VCV001388851.6), dbSNP rs2107717354, ClinGen allele CA2573137173.

ClinVar aggregate classification (germline): Pathogenic/Likely pathogenic. Review status: criteria provided, multiple submitters, no conflicts (2 of 4 stars). 2 submissions from 2 submitters: Pathogenic (1); Likely pathogenic (1). Last evaluated 2024-01-24.

Submissions (2):

Labcorp Genetics (formerly Invitae), Labcorp
Classification: Pathogenic. Last evaluated: 2024-01-24. Review status: criteria provided, single submitter. Criteria: Invitae Variant Classification Sherloc (09022015). Collection method: clinical testing. Allele origin: germline.
Comment: This sequence change creates a premature translational stop signal (p.Val361Thrfs*13) in the PTPN23 gene. It is expected to result in an absent or disrupted protein product. Loss-of-function variants in PTPN23 are known to be pathogenic (PMID: 29090338, 29899372). This variant is not present in population databases (gnomAD no frequency). This variant has not been reported in the literature in individuals affected with PTPN23-related conditions. ClinVar contains an entry for this variant (Variation ID: 1388851). For these reasons, this variant has been classified as Pathogenic.

GeneDx
Classification: Likely pathogenic. Last evaluated: 2023-08-09. Review status: criteria provided, single submitter. Criteria: GeneDx Variant Classification Process June 2021. Collection method: clinical testing. Allele origin: germline. Affected: yes.
Comment: Frameshift variant predicted to result in protein truncation or nonsense mediated decay in a gene for which loss of function is a known mechanism of disease; Not observed at significant frequency in large population cohorts (gnomAD); Has not been previously published as pathogenic or benign to our knowledge; This variant is associated with the following publications: (PMID: 27535533)

Literature cited by the submitters: PubMed 29090338 (cited by Labcorp Genetics (formerly Invitae), Labcorp); PubMed 29899372 (cited by Labcorp Genetics (formerly Invitae), Labcorp).